The following is an entry in ClinVar:

ClinVar aggregate classification (germline): Uncertain significance (1 of 4 stars; one submission).

Conditions:
Cardiovascular phenotype. Identifiers: MedGen CN230736.

Submission:

Ambry Genetics
Classification: Uncertain significance for Cardiovascular phenotype. Last evaluated: 2022-11-21. Review status: criteria provided, single submitter. Criteria: Ambry Variant Classification Scheme 2023. Collection method: clinical testing. Allele origin: germline.
Comment: The p.V2649I variant (also known as c.7945G>A), located in coding exon 38 of the ANK2 gene, results from a G to A substitution at nucleotide position 7945. The valine at codon 2649 is replaced by isoleucine, an amino acid with highly similar properties. This amino acid position is conserved. In addition, this alteration is predicted to be tolerated by in silico analysis. Since supporting evidence is limited at this time, the clinical significance of this alteration remains unclear.

NM_001148.6(ANK2):c.7945G>A (p.Val2649Ile)

Genes: ANK2 (ankyrin 2; plus strand), LOC126807137 (CDK7 strongly-dependent group 2 enhancer GRCh37_chr4:114276560-114277759; plus strand). Cytogenetic location: 4q26.
Variant type: single nucleotide variant.
Coding change: c.7945G>A on transcript NM_001148.6 (MANE Select); coding-DNA position 7945, G replaced by A.
Protein change: p.Val2649Ile; replaces valine 2649 with isoleucine.
Molecular consequence: missense variant. On other transcripts: intron variant (68).
Genome position (GRCh38, 1-based): chr4:113,356,563, G>A. VCF-style: chr4-113356563-G-A. GRCh37 (hg19) VCF-style: chr4-114277719-G-A.
Other names: c.7711G>A, p.Val2571Ile (NM_001386142.1); c.4345G>A, p.Val1449Ile (NM_001386166.1); c.8086G>A, p.Val2696Ile (NM_001386174.1); c.8062G>A, p.Val2688Ile (NM_001386175.1); c.4412-4260G>A (NM_001386186.2, NM_001386148.2); c.4214-4260G>A (NM_001354269.3); c.4292-4260G>A (NM_001386187.2); c.4253-4260G>A (NM_001386147.1); and 35 more; short protein forms V1449I, V2571I, V2649I, V2688I, V2696I.
Identifiers: ClinVar variation 2450625 (VCV002450625.2), dbSNP rs2505794538, ClinGen allele CA357932713.
Genomic context (GRCh38, chr4:113,356,563, plus strand): 5'-GACTGTTCAGTAGATGTGGATGAACCAAAACATACAGGCAGTGGGGAGGATGAAAGTGGT[G>A]TCCCTGTGTTAGTAACTTCGGAGAGCAGGAAGGTGTCTTCCTCCTCAGAAAGTGAACCTG-3'
Protein context (NP_001139.3, residues 2639-2659): HTGSGEDESG[Val2649Ile]PVLVTSESRK